The following is an entry in ClinVar:

NC_000022.11:g.(?_29603989)_(29694812_?)dup

Gene: NF2 (NF2, moesin-ezrin-radixin like (MERLIN) tumor suppressor; plus strand). Cytogenetic location: 22q12.2.
Variant type: Duplication.
Identifiers: ClinVar variation 831754 (VCV000831754.3).

ClinVar aggregate classification (germline): Uncertain significance (1 of 4 stars; one submission).

Conditions:
Neurofibromatosis, type 2 (SWNV). Also called: BILATERAL ACOUSTIC NEUROFIBROMATOSIS; SCHWANNOMATOSIS, VESTIBULAR; NF2-Related Schwannomatosis. Identifiers: Orphanet 637, MedGen C0027832, MONDO:0007039, OMIM 101000. Disease mechanism: loss of function.

Submission:

Labcorp Genetics (formerly Invitae), Labcorp
Classification: Uncertain significance for Neurofibromatosis, type 2. Last evaluated: 2020-07-08. Review status: criteria provided, single submitter. Criteria: Invitae Variant Classification Sherloc (09022015). Collection method: clinical testing. Allele origin: germline.
Comment: This variant results in a copy number gain of the genomic region encompassing the full coding sequence of the NF2 gene. The boundaries of this event are unknown as they extend beyond the assayed region for this gene and therefore may encompass additional genes. As the precise location of this event is unknown, it may be in tandem or it may be located elsewhere in the genome. This variant has not been reported in the literature in individuals with NF2-related conditions. Experimental studies and prediction algorithms are not available or were not evaluated, and the functional significance of this variant is currently unknown. In summary, the available evidence is currently insufficient to determine the role of this variant in disease. Therefore, it has been classified as a Variant of Uncertain Significance.